The following is an entry in ClinVar:

ClinVar aggregate classification (germline): Conflicting classifications of pathogenicity. Review status: criteria provided, conflicting classifications (1 of 4 stars). 5 submissions from 5 submitters: Likely pathogenic (3); Uncertain significance (2). Last evaluated 2026-06-23.

Conditions:
COL4A4-related disorder.
Alport syndrome. Also called: Hemorrhagic familial nephritis; Hemorrhagic hereditary nephritis; Congenital hereditary hematuria. Identifiers: Orphanet 63, MedGen C1567741, MONDO:0018965.

Allele frequency attached by ClinVar (database versions not stated): TOPMed 0.00001; ExAC 0.00002; 1000 Genomes Project 30x 0.00016; 1000 Genomes Project 0.00020; gnomAD 0.00001; gnomAD exomes 0.00001.
gnomAD v4.1: 11 of 1,613,998 alleles (0.00068%); highest among the groups gnomAD compares: Non-Finnish European, 0.00093%; no homozygotes.

Submissions (5):

PreventionGenetics, part of Exact Sciences
Classification: Likely pathogenic for COL4A4-related condition. Last evaluated: 2026-06-23. Review status: criteria provided, single submitter. Criteria: ACMG Guidelines, 2015. Collection method: clinical testing. Allele origin: germline.
Comment: The COL4A4 c.2182G>A variant is predicted to result in the amino acid substitution p.Gly728Arg. This variant affects a glycine (Gly) residue of the conserved triple helical domain (residues 65-1459) of the COL4A4 protein, where substitutions of the glycine (Gly) residue are usually pathogenic (Hudson et al. 1993. PubMed ID: 8253711). In a genetic study of diabetic kidney disease (DKD) patients, this variant has been reported in an individual who was also found to have multiple variants in other kidney disease-related genes; and the clinical consequence of the p.Gly728Arg variant in COL4A4 in this individual was unspecified (Patient FS180133 in Supplemental Table 4 of Lazaro-Guevara et al. 2021. PubMed ID: 33774617). Of note, a different substitution at the same codon, defined as c.2183G>A (p.Gly728Glu), was reported with a pathogenic splice variant in an individual with autosomal recessive COL4A4 nephropathy (Zhang et al. 2012. PubMed ID: 22887978). In addition, in the same exon (exon 28), substitutions of the flanking glycine (Gly) residues have been reported to be pathogenic for autosomal dominant or recessive COL4A4 nephropathy (see for example, p.Gly748Ser in Papazachariou et al. 2017. PubMed ID: 28632965 and Popp et al. 2022. PubMed ID: 36100708; p.Gly757Glu in Boeckhaus et al. 2021. PubMed ID: 33040356). Moreover, at other glycine (Gly) residues within this domain, substitutions of a glycine (Gly) with an arginine (Arg) have been widely reported to be pathogenic for autosomal dominant or recessive COL4A4 nephropathy (see for example, autosomal dominant cases: p.Gly466Arg in Weber et al. 2016. PubMed ID: 26809805 and p.Gly651Arg in Gao et al. 2022. PubMed ID: 36685964; autosomal recessive cases: p.Gly170Arg in Supplementary Table 1 of Morinière et al. 2014. PubMed ID: 24854265 and p.Gly864Arg in Storey et al. 2013. PubMed ID: 24052634). This variant is reported in 0.0018% of alleles in individuals of European (non-Finnish) descent in gnomAD. This variant is interpreted as likely pathogenic for both autosomal dominant and recessive COL4A4-related Alport syndrome spectrum disorders.

Women's Health and Genetics/Laboratory Corporation of America, LabCorp
Classification: Uncertain significance. Last evaluated: 2026-03-06. Review status: criteria provided, single submitter. Criteria: LabCorp Variant Classification Summary - May 2015. Collection method: clinical testing. Allele origin: germline.
Comment: Variant summary: COL4A4 c.2182G>A (p.Gly728Arg) results in a non-conservative amino acid change in the encoded protein sequence. Algorithms developed to predict the effect of missense changes on protein structure and function all suggest that this variant is likely to be disruptive. The variant allele was found at a frequency of 8e-06 in 248712 control chromosomes. The available data on variant occurrences in the general population are insufficient to allow any conclusion about variant significance. To our knowledge, no occurrence of c.2182G>A in individuals affected with COL4A4-related conditions and no experimental evidence demonstrating its impact on protein function have been reported. The following publications have been ascertained in the context of this evaluation (PMID: 33774617, 22887978). ClinVar contains an entry for this variant (Variation ID: 1345257). Based on the evidence outlined above, the variant was classified as uncertain significance.

Natera, Inc.
Classification: Likely pathogenic for Alport syndrome. Last evaluated: 2025-09-03. Review status: criteria provided, single submitter. Criteria: Natera Variant Classification Schema (03/2026). Collection method: clinical testing. Allele origin: germline.
Comment: The c.2182G>A variant in COL4A4 is a missense variant predicted to cause substitution of glycine to arginine at amino acid 728. This variant is rare in the general population with a frequency below the threshold expected for the associated phenotype(s). This variant is located in a functionally critical region of the protein. Computational prediction algorithms indicate this variant is likely to affect gene or protein function. Given the available evidence, this variant is classified as Likely Pathogenic.

Victorian Clinical Genetics Services, Murdoch Childrens Research Institute
Classification: Likely pathogenic for Alport syndrome. Last evaluated: 2024-10-11. Review status: criteria provided, single submitter. Criteria: ACMG Guidelines, 2015. Collection method: clinical testing. Allele origin: germline. Affected: yes.
Comment: Based on the classification scheme VCGS_Germline_v1.3.5, this variant is classified as Likely pathogenic. Following criteria are met: 0103 - Loss of function is a known mechanism of disease for this gene and is associated with Alport syndrome. Dominant negative is a suspected mechanism of disease for this gene as it is a structural protein (PMIDs: 12028435, 24046192). (I) 0108 - This gene is associated with both recessive and dominant disease. Alport syndrome typically has biallelic inheritance, although rare cases of monoallelic inheritance have been reported (PMID: 28704582). Thin basement membrane nephropathy (TBMN) and focal segmental glomerulosclerosis (FSGS) are associated with autosomal dominant inheritance (OMIM, PMIDs: 16467446, 17942953). (I) 0200 - Variant is predicted to result in a missense amino acid change from glycine to arginine. (I) 0251 - This variant is heterozygous. (I) 0304 - Variant is present in gnomAD (v4) <0.01 (11 heterozygotes, 0 homozygotes). (SP) 0501 - Missense variant consistently predicted to be damaging by multiple in silico tools or highly conserved with a major amino acid change. (SP) 0601 - Variant is located in the well-established functional Gly-X-Y motif (DECIPHER). (SP) 0704 - Another missense variant comparable to the one identified in this case has limited previous evidence for pathogenicity. p.(Gly728Glu) has been observed in a compound heterozygous individual with autosomal recessive Alport syndrome (PMID: 22887978). (SP) 0809 - Previous evidence of pathogenicity for this variant is inconclusive. This variant has been reported once as a VUS in ClinVar by a clinical laboratory. (I) 0905 - No published segregation evidence has been identified for this variant. (I) 1007 - No published functional evidence has been identified for this variant. (I) 1208 - Inheritance information for this variant is not currently available in this individual. (I) Legend: (SP) - Supporting pathogenic, (I) - Information, (SB) - Supporting benign

Labcorp Genetics (formerly Invitae), Labcorp
Classification: Uncertain significance. Last evaluated: 2023-08-11. Review status: criteria provided, single submitter. Criteria: Invitae Variant Classification Sherloc (09022015). Collection method: clinical testing. Allele origin: germline.
Comment: This sequence change replaces glycine, which is neutral and non-polar, with arginine, which is basic and polar, at codon 728 of the COL4A4 protein (p.Gly728Arg). This variant is present in population databases (rs202243658, gnomAD 0.002%). This variant has not been reported in the literature in individuals affected with COL4A4-related conditions. ClinVar contains an entry for this variant (Variation ID: 1345257). Advanced modeling of protein sequence and biophysical properties (such as structural, functional, and spatial information, amino acid conservation, physicochemical variation, residue mobility, and thermodynamic stability) performed at Invitae indicates that this missense variant is expected to disrupt COL4A4 protein function. In summary, the available evidence is currently insufficient to determine the role of this variant in disease. Therefore, it has been classified as a Variant of Uncertain Significance.

Literature cited by the submitters: PubMed 22887978 (cited by Women's Health and Genetics/Laboratory Corporation of America, LabCorp and Victorian Clinical Genetics Services, Murdoch Childrens Research Institute); PubMed 33774617 (cited by Women's Health and Genetics/Laboratory Corporation of America, LabCorp); PubMed 12028435 (cited by Victorian Clinical Genetics Services, Murdoch Childrens Research Institute); PubMed 16467446 (cited by Victorian Clinical Genetics Services, Murdoch Childrens Research Institute); PubMed 17942953 (cited by Victorian Clinical Genetics Services, Murdoch Childrens Research Institute); PubMed 24046192 (cited by Victorian Clinical Genetics Services, Murdoch Childrens Research Institute); PubMed 28704582 (cited by Victorian Clinical Genetics Services, Murdoch Childrens Research Institute).

NM_000092.5(COL4A4):c.2182G>A (p.Gly728Arg)

Gene: COL4A4 (collagen type IV alpha 4 chain; minus strand). Cytogenetic location: 2q36.3.
Variant type: single nucleotide variant.
Coding change: c.2182G>A on transcript NM_000092.5 (MANE Select); coding-DNA position 2182, G replaced by A.
Protein change: p.Gly728Arg; replaces glycine 728 with arginine.
Molecular consequence: missense variant.
Genome position (GRCh38, 1-based): chr2:227,059,606, C>T on the plus strand (G>A on the coding strand, the complement: COL4A4 is on the minus strand). VCF-style: chr2-227059606-C-T. GRCh37 (hg19) VCF-style: chr2-227924322-C-T.
Other names: c.2182G>A (NM_000092.4); short protein forms G728R.
Identifiers: ClinVar variation 1345257 (VCV001345257.13), dbSNP rs202243658, ClinGen allele CA2144865.